The following is an entry in ClinVar:

ClinVar aggregate classification (germline): Uncertain significance. Review status: criteria provided, multiple submitters, no conflicts (2 of 4 stars). 2 submissions from 2 submitters: Uncertain significance (2). Last evaluated 2026-04-16.

Conditions:
MED12L-related disorder. Also called: MED12L-related condition.
Inborn genetic diseases. Identifiers: MedGen C0950123, MeSH D030342.

Submissions (2):

Ambry Genetics
Classification: Uncertain significance for Inborn genetic diseases. Last evaluated: 2026-04-16. Review status: criteria provided, single submitter. Criteria: Ambry Variant Classification Scheme 2023. Collection method: clinical testing. Allele origin: germline.

PreventionGenetics, part of Exact Sciences
Classification: Uncertain significance for MED12L-related condition. Last evaluated: 2024-10-12. Review status: criteria provided, single submitter. Criteria: ACMG Guidelines, 2015. Collection method: clinical testing. Allele origin: germline.
Comment: The MED12L c.2699A>G variant is predicted to result in the amino acid substitution p.Gln900Arg. To our knowledge, this variant has not been reported in the literature or in a large population database (gnomAD), indicating this variant is rare. At this time, the clinical significance of this variant is uncertain due to the absence of conclusive functional and genetic evidence.

NM_001393769.1(MED12L):c.2804A>G (p.Gln935Arg)

Genes: MED12L (mediator complex subunit 12L; plus strand), P2RY12 (purinergic receptor P2Y12; minus strand). Cytogenetic location: 3q25.1.
Variant type: single nucleotide variant.
Coding change: c.2804A>G on transcript NM_001393769.1 (MANE Select); coding-DNA position 2804, A replaced by G.
Protein change: p.Gln935Arg; replaces glutamine 935 with arginine.
Molecular consequence: missense variant. On other transcripts: intron variant (1).
Genome position (GRCh38, 1-based): chr3:151,357,355, A>G. VCF-style: chr3-151357355-A-G. GRCh37 (hg19) VCF-style: chr3-151075143-A-G.
Other names: c.2699A>G (NM_053002.5); c.2699A>G, p.Gln900Arg (NM_053002.6); c.-179-16595T>C (NM_022788.5); short protein forms Q900R, Q935R.
Identifiers: ClinVar variation 4859844 (VCV004859844.2).